The following is an entry in ClinVar:

NM_001792.5(CDH2):c.1516C>G (p.Gln506Glu)

Gene: CDH2 (cadherin 2; minus strand). Cytogenetic location: 18q12.1.
Variant type: single nucleotide variant.
Coding change: c.1516C>G on transcript NM_001792.5 (MANE Select); coding-DNA position 1516, C replaced by G.
Protein change: p.Gln506Glu; replaces glutamine 506 with glutamic acid.
Molecular consequence: missense variant.
Genome position (GRCh38, 1-based): chr18:27,990,179, G>C on the plus strand (C>G on the coding strand, the complement: CDH2 is on the minus strand). VCF-style: chr18-27990179-G-C. GRCh37 (hg19) VCF-style: chr18-25570143-G-C.
Other names: c.1423C>G, p.Gln475Glu (NM_001308176.2); short protein forms Q475E, Q506E.
Identifiers: ClinVar variation 2119201 (VCV002119201.4), dbSNP rs2012367354, ClinGen allele CA402109055.

ClinVar aggregate classification (germline): Uncertain significance (1 of 4 stars; one submission).

Allele frequency attached by ClinVar (database versions not stated): TOPMed below 0.00001.

Submission:

Labcorp Genetics (formerly Invitae), Labcorp
Classification: Uncertain significance. Last evaluated: 2022-03-29. Review status: criteria provided, single submitter. Criteria: Invitae Variant Classification Sherloc (09022015). Collection method: clinical testing. Allele origin: germline.
Comment: In summary, the available evidence is currently insufficient to determine the role of this variant in disease. Therefore, it has been classified as a Variant of Uncertain Significance. Algorithms developed to predict the effect of missense changes on protein structure and function (SIFT, PolyPhen-2, Align-GVGD) all suggest that this variant is likely to be tolerated. This variant has not been reported in the literature in individuals affected with CDH2-related conditions. This variant is not present in population databases (gnomAD no frequency). This sequence change replaces glutamine, which is neutral and polar, with glutamic acid, which is acidic and polar, at codon 506 of the CDH2 protein (p.Gln506Glu).